The following is an entry in ClinVar:

NM_000017.4(ACADS):c.*115G>A

Gene: ACADS (acyl-CoA dehydrogenase short chain; plus strand). Cytogenetic location: 12q24.31.
Variant type: single nucleotide variant.
Coding change: c.*115G>A on transcript NM_000017.4 (MANE Select); 115 bases downstream of the stop codon, G replaced by A.
Molecular consequence: 3 prime UTR variant.
Genome position (GRCh38, 1-based): chr12:120,739,563, G>A. VCF-style: chr12-120739563-G-A. GRCh37 (hg19) VCF-style: chr12-121177366-G-A.
Other names: c.*115G>A (NM_001302554.2).
Identifiers: ClinVar variation 307445 (VCV000307445.8), dbSNP rs2229534, ClinGen allele CA10640426.

ClinVar aggregate classification (germline): Benign/Likely benign. Review status: criteria provided, multiple submitters, no conflicts (2 of 4 stars). 3 submissions from 3 submitters: Benign (1); Likely benign (2). Last evaluated 2019-01-16.

Conditions:
Deficiency of butyryl-CoA dehydrogenase (ACADSD). Also called: SCAD DEFICIENCY, MILD; ACYL-CoA DEHYDROGENASE, SHORT-CHAIN, DEFICIENCY OF; SCADH DEFICIENCY; ACADS DEFICIENCY; Short-Chain Acyl-CoA Dehydrogenase Deficiency; SCAD Deficiency. Identifiers: Orphanet 26792, MedGen C0342783, MONDO:0008722, OMIM 201470. Disease mechanism: May be benign.

Allele frequency attached by ClinVar (database versions not stated): gnomAD 0.01325 and 0.01857; gnomAD exomes 0.01834; TOPMed 0.01842; 1000 Genomes Project 30x 0.06933; 1000 Genomes Project 0.07548.
gnomAD v4.1: 23,813 of 1,267,166 alleles (1.9%); highest among the groups gnomAD compares: East Asian, 24%; 1,511 homozygotes.

Submissions (3):

GeneDx
Classification: Likely benign. Last evaluated: 2019-01-16. Review status: criteria provided, single submitter. Criteria: GeneDx Variant Classification Process June 2021. Collection method: clinical testing. Allele origin: germline. Affected: yes.

Illumina Laboratory Services, Illumina
Classification: Benign for Deficiency of butyryl-CoA dehydrogenase. Last evaluated: 2018-01-13. Review status: criteria provided, single submitter. Criteria: ICSL Variant Classification Criteria 13 December 2019. Collection method: clinical testing. Allele origin: germline.
Comment: This variant was observed in the ICSL laboratory as part of a predisposition screen in an ostensibly healthy population. It had not been previously curated by ICSL or reported in the Human Gene Mutation Database (HGMD: prior to June 1st, 2018), and was therefore a candidate for classification through an automated scoring system. Utilizing variant allele frequency, disease prevalence and penetrance estimates, and inheritance mode, an automated score was calculated to assess if this variant is too frequent to cause the disease. Based on the score and internal cut-off values, a variant classified as benign is not then subjected to further curation. The score for this variant resulted in a classification of benign for this disease.

Breakthrough Genomics
Classification: Likely benign. Review status: criteria provided, single submitter. Criteria: ACMG Guidelines, 2015. Collection method: not provided. Allele origin: germline. Inheritance: Autosomal recessive inheritance. Affected: yes.